The following is an entry in ClinVar:

ClinVar aggregate classification (germline): Uncertain significance (3 of 4 stars; one submission).

Conditions:
Glanzmann thrombasthenia. Also called: THROMBASTHENIA OF GLANZMANN AND NAEGELI; PLATELET GLYCOPROTEIN IIb-IIIa DEFICIENCY; Thrombasthenia; Glanzmann's thrombasthenia. Identifiers: Orphanet 849, MedGen C0040015, MONDO:0100326.

Submission:

ClinGen Platelet Disorders Variant Curation Expert Panel, ClinGen
Classification: Uncertain significance for Glanzmann thrombasthenia. Last evaluated: 2026-03-17. Review status: reviewed by expert panel. Criteria: ClinGen Platelet ACMG Specifications v2-1. Collection method: curation. Allele origin: germline. Inheritance: Autosomal recessive inheritance.
Comment: The NM_000419.5(ITGA2B):c.1616_1620delinsGGCAC (p.Leu539_Gln540delinsArgHis) indel variant results in the in-frame replacement of Leu539 and Gln540 with Arg and His respectively. This variant has been detected in at least 1 proband reported to have Glanzmann thrombasthenia (GT_43 in PMID: 30792900), who was homozygous for the variant (PM3_Supporting). This variant is absent from gnomAD v4.1 (PM2_Supporting). In summary, this variant meets the criteria to be classified as Uncertain significance - insufficient evidence for autosomal recessive Glanzmann Thrombasthenia based on the ACMG/AMP criteria applied, as specified by the ClinGen PD VCEP: PM3_Supporting and PM2_Supporting (VCEP specifications version 2).

NM_000419.5(ITGA2B):c.1616_1620delinsGGCAC (p.Leu539_Gln540delinsArgHis)

Gene: ITGA2B (integrin subunit alpha 2b; minus strand). Cytogenetic location: 17q21.31.
Variant type: Indel.
Coding change: c.1616_1620delinsGGCAC on transcript NM_000419.5 (MANE Select); coding-DNA positions 1616 to 1620, TGCAG replaced by GGCAC.
Protein change: p.Leu539_Gln540delinsArgHis.
Molecular consequence: missense variant.
Genome position (GRCh38, 1-based): chr17:44,380,134-44,380,138, CTGCA replaced by GTGCC on the plus strand (TGCAG replaced by GGCAC on the coding strand, the reverse complement: ITGA2B is on the minus strand). VCF-style: chr17-44380134-CTGCA-GTGCC. GRCh37 (hg19) VCF-style: chr17-42457502-CTGCA-GTGCC.
Other names: NM_000419.5:c.1616_1620delinsGGCAC.
Identifiers: ClinVar variation 2581084 (VCV002581084.2), dbSNP rs2510079339, ClinGen allele CA915940789.